The following is an entry in ClinVar:

ClinVar aggregate classification (germline): Uncertain significance. Review status: criteria provided, multiple submitters, no conflicts (2 of 4 stars). 3 submissions from 3 submitters: Uncertain significance (3). Last evaluated 2025-11-03.

Allele frequency attached by ClinVar (database versions not stated): gnomAD 0.00001; ExAC 0.00002; gnomAD exomes 0.00002; TOPMed 0.00002.
gnomAD v4.1: 24 of 1,614,042 alleles (0.0015%); highest among the groups gnomAD compares: East Asian, 0.0022%; no homozygotes.

Submissions (3):

Ambry Genetics
Classification: Uncertain significance. Last evaluated: 2025-11-03. Review status: criteria provided, single submitter. Criteria: Ambry Variant Classification Scheme 2023. Collection method: clinical testing. Allele origin: germline.

Blueprint Genetics
Classification: Uncertain significance. Last evaluated: 2024-01-12. Review status: criteria provided, single submitter. Criteria: ACMG Guidelines, 2015. Collection method: clinical testing. Allele origin: germline.

Labcorp Genetics (formerly Invitae), Labcorp
Classification: Uncertain significance. Last evaluated: 2022-07-06. Review status: criteria provided, single submitter. Criteria: Invitae Variant Classification Sherloc (09022015). Collection method: clinical testing. Allele origin: germline.
Comment: In summary, the available evidence is currently insufficient to determine the role of this variant in disease. Therefore, it has been classified as a Variant of Uncertain Significance. Algorithms developed to predict the effect of missense changes on protein structure and function are either unavailable or do not agree on the potential impact of this missense change (SIFT: "Not Available"; PolyPhen-2: "Benign"; Align-GVGD: "Not Available"). This variant has not been reported in the literature in individuals affected with CEP250-related conditions. This variant is present in population databases (rs756074934, gnomAD 0.004%). This sequence change replaces arginine, which is basic and polar, with glutamine, which is neutral and polar, at codon 230 of the CEP250 protein (p.Arg230Gln).

NM_007186.6(CEP250):c.689G>A (p.Arg230Gln)

Gene: CEP250 (centrosomal protein 250; plus strand). Cytogenetic location: 20q11.22.
Variant type: single nucleotide variant.
Coding change: c.689G>A on transcript NM_007186.6 (MANE Select); coding-DNA position 689, G replaced by A.
Protein change: p.Arg230Gln; replaces arginine 230 with glutamine.
Molecular consequence: missense variant. On other transcripts: 5 prime UTR variant (1).
Genome position (GRCh38, 1-based): chr20:35,467,393, G>A. VCF-style: chr20-35467393-G-A. GRCh37 (hg19) VCF-style: chr20-34055218-G-A.
Other names: c.-1211G>A (NM_001318219.1); c.689G>A (NM_007186.3); short protein forms R230Q.
Identifiers: ClinVar variation 2058377 (VCV002058377.4), dbSNP rs756074934, ClinGen allele CA9832689.